The following is an entry in ClinVar:

ClinVar aggregate classification (germline): Uncertain significance (1 of 4 stars; one submission).

Conditions:
Ehlers-Danlos syndrome, type 4 (EDSVASC). Also called: Ehlers-Danlos syndrome vascular type; Ehlers Danlos syndrome, ecchymotic type; Ehlers Danlos syndrome, arterial type; Ehlers Danlos syndrome, Sack-Barabas type; Ehlers-Danlos Syndrome Type IV. Identifiers: Orphanet 286, MedGen C0268338, MONDO:0017314, OMIM 130050.

gnomAD v4.1: 2 of 1,614,112 alleles (0.00012%); highest among the groups gnomAD compares: East Asian, 0.0022%; no homozygotes.

Submission:

Labcorp Genetics (formerly Invitae), Labcorp
Classification: Uncertain significance for Ehlers-Danlos syndrome, type 4. Last evaluated: 2024-11-17. Review status: criteria provided, single submitter. Criteria: Invitae Variant Classification Sherloc (09022015). Collection method: clinical testing. Allele origin: germline.
Comment: This sequence change replaces leucine, which is neutral and non-polar, with valine, which is neutral and non-polar, at codon 988 of the COL3A1 protein (p.Leu988Val). This variant is not present in population databases (gnomAD no frequency). This variant has not been reported in the literature in individuals affected with COL3A1-related conditions. Invitae Evidence Modeling of protein sequence and biophysical properties (such as structural, functional, and spatial information, amino acid conservation, physicochemical variation, residue mobility, and thermodynamic stability) indicates that this missense variant is not expected to disrupt COL3A1 protein function with a negative predictive value of 95%. In summary, the available evidence is currently insufficient to determine the role of this variant in disease. Therefore, it has been classified as a Variant of Uncertain Significance.

NM_000090.4(COL3A1):c.2962C>G (p.Leu988Val)

Gene: COL3A1 (collagen type III alpha 1 chain; plus strand). Cytogenetic location: 2q32.2.
Variant type: single nucleotide variant.
Coding change: c.2962C>G on transcript NM_000090.4 (MANE Select); coding-DNA position 2962, C replaced by G.
Protein change: p.Leu988Val; replaces leucine 988 with valine.
Molecular consequence: missense variant.
Genome position (GRCh38, 1-based): chr2:189,005,380, C>G. VCF-style: chr2-189005380-C-G. GRCh37 (hg19) VCF-style: chr2-189870106-C-G.
Other names: short protein forms L988V.
Identifiers: ClinVar variation 3609638 (VCV003609638.2).
Genomic context (GRCh38, chr2:189,005,380, plus strand): 5'-ACAAAATGTTTTTCATTCCTTTGTATACAGGGTGAAAGTGGGAAACCAGGAGCTAACGGT[C>G]TCAGTGGAGAACGTGGTCCCCCTGGACCCCAGGGTCTTCCTGGTCTGGCTGGTACAGCTG-3'
Protein context (NP_000081.2, residues 978-998): GESGKPGANG[Leu988Val]SGERGPPGPQ